The following is an entry in ClinVar:

ClinVar aggregate classification (germline): Pathogenic. Review status: criteria provided, multiple submitters, no conflicts (2 of 4 stars). 2 submissions from 2 submitters: Pathogenic (2). Last evaluated 2025-05-29.

Conditions:
Cardiovascular phenotype. Identifiers: MedGen CN230736.
Hereditary cancer-predisposing syndrome. Also called: Neoplastic Syndromes, Hereditary; Tumor predisposition; Hereditary Cancer Syndrome; Hereditary neoplastic syndrome. Identifiers: Orphanet 140162, MedGen C0027672, MeSH D009386, MONDO:0015356.

Submissions (2):

Ambry Genetics
Classification: Pathogenic for Cardiovascular phenotype; Hereditary cancer-predisposing syndrome. Last evaluated: 2025-05-29. Review status: criteria provided, single submitter. Criteria: Ambry Variant Classification Scheme 2023. Collection method: clinical testing. Allele origin: germline.
Comment: The c.327delT pathogenic mutation, located in coding exon 4 of the LZTR1 gene, results from a deletion of one nucleotide at nucleotide position 327, causing a translational frameshift with a predicted alternate stop codon (p.F109Lfs*38). This variant was reported in individual(s) with features consistent with LZTR1-related schwannomatosis (Ambry internal data). This alteration is expected to result in loss of function by premature protein truncation or nonsense-mediated mRNA decay. Loss-of-function variants in LZTR1 are related to an increased risk for schwannomas and autosomal recessive Noonan syndrome; however, such associations with autosomal dominant Noonan syndrome have not been observed (Piotrowski A et al. Nat Genet. 2014 Feb;46:182-7; Yamamoto GL et al. J Med Genet. 2015 Jun;52:413-21; Johnston JJ et al. Genet Med. 2018 10;20:1175-1185). Based on the supporting evidence, this variant is pathogenic for an increased risk of LZTR1-related schwannomatosis (SWN) and would be expected to cause autosomal recessive Noonan syndrome when present along with a second pathogenic or likely pathogenic variant on the other allele; however, the association of this alteration with autosomal dominant Noonan syndrome is unlikely.

Labcorp Genetics (formerly Invitae), Labcorp
Classification: Pathogenic. Last evaluated: 2024-01-24. Review status: criteria provided, single submitter. Criteria: Invitae Variant Classification Sherloc (09022015). Collection method: clinical testing. Allele origin: germline.
Comment: This sequence change creates a premature translational stop signal (p.Phe109Leufs*38) in the LZTR1 gene. It is expected to result in an absent or disrupted protein product. Loss-of-function variants in LZTR1 are known to be pathogenic (PMID: 24362817, 25335493, 25480913, 25795793, 29469822, 30368668, 30442762, 30442766, 30481304, 30859559). This variant is not present in population databases (gnomAD no frequency). This variant has not been reported in the literature in individuals affected with LZTR1-related conditions. For these reasons, this variant has been classified as Pathogenic.

Literature cited by the submitters: PubMed 24362817 (cited by Labcorp Genetics (formerly Invitae), Labcorp); PubMed 25335493 (cited by Labcorp Genetics (formerly Invitae), Labcorp); PubMed 25480913 (cited by Labcorp Genetics (formerly Invitae), Labcorp); PubMed 25795793 (cited by Labcorp Genetics (formerly Invitae), Labcorp); PubMed 29469822 (cited by Labcorp Genetics (formerly Invitae), Labcorp); PubMed 30368668 (cited by Labcorp Genetics (formerly Invitae), Labcorp); PubMed 30442762 (cited by Labcorp Genetics (formerly Invitae), Labcorp); PubMed 30442766 (cited by Labcorp Genetics (formerly Invitae), Labcorp); PubMed 30481304 (cited by Labcorp Genetics (formerly Invitae), Labcorp); PubMed 30859559 (cited by Labcorp Genetics (formerly Invitae), Labcorp).

NM_006767.4(LZTR1):c.327del (p.Phe109fs)

Gene: LZTR1 (leucine zipper like post translational regulator 1; plus strand). Cytogenetic location: 22q11.21.
Variant type: Deletion.
Coding change: c.327del on transcript NM_006767.4 (MANE Select); coding-DNA position 327, one base deleted (T; older notation c.327delT).
Protein change: p.Phe109fs; shifts the reading frame from phenylalanine 109.
Molecular consequence: frameshift variant.
Genome position (GRCh38, 1-based): chr22:20,987,510, T deleted; the last of 3 consecutive T bases (chr22:20,987,508-20,987,510); deleting any one gives the same sequence. VCF-style (leftmost placement, unchanged base first): chr22-20987507-CT-C. GRCh37 (hg19) VCF-style: chr22-21341796-CT-C.
Other names: c.327delT (NM_006767.3); short protein forms F109fs.
Identifiers: ClinVar variation 2711173 (VCV002711173.4), dbSNP rs1417177018, ClinGen allele CA2697547687.